The following is an entry in ClinVar:

NM_021096.4(CACNA1I):c.6487G>C (p.Gly2163Arg)

Gene: CACNA1I (calcium voltage-gated channel subunit alpha1 I; plus strand). Cytogenetic location: 22q13.1.
Variant type: single nucleotide variant.
Coding change: c.6487G>C on transcript NM_021096.4 (MANE Select); coding-DNA position 6487, G replaced by C.
Protein change: p.Gly2163Arg; replaces glycine 2163 with arginine.
Molecular consequence: missense variant.
Genome position (GRCh38, 1-based): chr22:39,686,220, G>C. VCF-style: chr22-39686220-G-C. GRCh37 (hg19) VCF-style: chr22-40082225-G-C.
Other names: c.6382G>C, p.Gly2128Arg (NM_001003406.2); short protein forms G2128R, G2163R.
Identifiers: ClinVar variation 3731091 (VCV003731091.1).

ClinVar aggregate classification (germline): Uncertain significance (1 of 4 stars; one submission).

gnomAD v4.1: 6 of 1,240,200 alleles (0.00048%); highest among the groups gnomAD compares: African/African-American, 0.0032%; no homozygotes.

Submission:

GeneDx
Classification: Uncertain significance. Last evaluated: 2024-08-12. Review status: criteria provided, single submitter. Criteria: GeneDx Variant Classification Process June 2021. Collection method: clinical testing. Allele origin: germline. Affected: yes.
Comment: Not observed at significant frequency in large population cohorts (gnomAD); In silico analysis indicates that this missense variant does not alter protein structure/function; Has not been previously published as pathogenic or benign to our knowledge